The following is an entry in ClinVar:

NM_000138.5(FBN1):c.3881G>T (p.Gly1294Val)

Gene: FBN1 (fibrillin 1; minus strand). Cytogenetic location: 15q21.1.
Variant type: single nucleotide variant.
Coding change: c.3881G>T on transcript NM_000138.5 (MANE Select); coding-DNA position 3881, G replaced by T.
Protein change: p.Gly1294Val; replaces glycine 1294 with valine.
Molecular consequence: missense variant.
Genome position (GRCh38, 1-based): chr15:48,481,738, C>A on the plus strand (G>T on the coding strand, the complement: FBN1 is on the minus strand). VCF-style: chr15-48481738-C-A. GRCh37 (hg19) VCF-style: chr15-48773935-C-A.
Other names: short protein forms G1294V.
Identifiers: ClinVar variation 406334 (VCV000406334.10), dbSNP rs1060501064, ClinGen allele CA16614654.

ClinVar aggregate classification (germline): Uncertain significance. Review status: criteria provided, multiple submitters, no conflicts (2 of 4 stars). 2 submissions from 2 submitters: Uncertain significance (2). Last evaluated 2025-11-03.

Conditions:
Familial thoracic aortic aneurysm and aortic dissection (TAAD). Also called: Thoracic aortic aneurysms and dissections. Identifiers: Orphanet 91387, MedGen C4707243, MONDO:0019625.
Marfan syndrome (MFS). Also called: Marfan syndrome, classic; Marfan syndrome type 1; Marfan's syndrome; MARFAN SYNDROME, TYPE I; FBN1-Related Marfan Syndrome. Identifiers: Orphanet 284963, Orphanet 558, MedGen C0024796, MONDO:0007947, OMIM 154700.

Submissions (2):

Labcorp Genetics (formerly Invitae), Labcorp
Classification: Uncertain significance for Marfan syndrome; Familial thoracic aortic aneurysm and aortic dissection. Last evaluated: 2025-11-03. Review status: criteria provided, single submitter. Criteria: Invitae Variant Classification Sherloc (09022015). Collection method: clinical testing. Allele origin: germline.
Comment: This sequence change replaces glycine, which is neutral and non-polar, with valine, which is neutral and non-polar, at codon 1294 of the FBN1 protein (p.Gly1294Val). This variant is not present in population databases (gnomAD no frequency). This variant has not been reported in the literature in individuals affected with FBN1-related conditions. ClinVar contains an entry for this variant (Variation ID: 406334). Invitae Evidence Modeling of protein sequence and biophysical properties (such as structural, functional, and spatial information, amino acid conservation, physicochemical variation, residue mobility, and thermodynamic stability) indicates that this missense variant is expected to disrupt FBN1 protein function with a positive predictive value of 95%. In summary, the available evidence is currently insufficient to determine the role of this variant in disease. Therefore, it has been classified as a Variant of Uncertain Significance.

Ambry Genetics
Classification: Uncertain significance for Familial thoracic aortic aneurysm and aortic dissection. Last evaluated: 2017-12-26. Review status: criteria provided, single submitter. Criteria: Ambry Variant Classification Scheme 2023. Collection method: clinical testing. Allele origin: germline.
Comment: The p.G1294V variant (also known as c.3881G>T), located in coding exon 31 of the FBN1 gene, results from a G to T substitution at nucleotide position 3881. The glycine at codon 1294 is replaced by valine, an amino acid with dissimilar properties, and is located in the cbEGF-like #17 domain. This amino acid position is highly conserved in available vertebrate species. In addition, this alteration is predicted to be deleterious by in silico analysis. Since supporting evidence is limited at this time, the clinical significance of this alteration remains unclear.

Literature cited by the submitters: PubMed 19802897 (cited by Ambry Genetics).